The following is an entry in ClinVar:

ClinVar aggregate classification (germline): Uncertain significance. Review status: criteria provided, multiple submitters, no conflicts (2 of 4 stars). 2 submissions from 2 submitters: Uncertain significance (2). Last evaluated 2025-05-24.

Conditions:
Hypertrophic cardiomyopathy 26. Also called: Cardiomyopathy, familial hypertrophic, 26. Identifiers: Orphanet 75249, MedGen C4310749, MONDO:0014883, OMIM 617047.
Myofibrillar myopathy 5. Also called: Filaminopathy (type); FILAMINOPATHY, AUTOSOMAL DOMINANT. Identifiers: Orphanet 171445, MedGen C1836050, MONDO:0012289, OMIM 609524.
Distal myopathy with posterior leg and anterior hand involvement. Also called: WILLIAMS DISTAL MYOPATHY. Identifiers: Orphanet 63273, MedGen C3279722, MONDO:0013550, OMIM 614065.
Cardiovascular phenotype. Identifiers: MedGen CN230736.

gnomAD v4.1: 1 of 1,613,982 alleles (0.000062%); highest among the groups gnomAD compares: East Asian, 0.0022%; no homozygotes.

Submissions (2):

Ambry Genetics
Classification: Uncertain significance for Cardiovascular phenotype. Last evaluated: 2025-05-24. Review status: criteria provided, single submitter. Criteria: Ambry Variant Classification Scheme 2023. Collection method: clinical testing. Allele origin: germline.
Comment: The p.A815T variant (also known as c.2443G>A), located in coding exon 16 of the FLNC gene, results from a G to A substitution at nucleotide position 2443. The alanine at codon 815 is replaced by threonine, an amino acid with similar properties. This amino acid position is conserved. In addition, the in silico prediction for this alteration is inconclusive. Based on the available evidence, the clinical significance of this variant remains unclear.

Labcorp Genetics (formerly Invitae), Labcorp
Classification: Uncertain significance for Distal myopathy with posterior leg and anterior hand involvement; Myofibrillar myopathy 5; Hypertrophic cardiomyopathy 26. Last evaluated: 2025-05-18. Review status: criteria provided, single submitter. Criteria: Invitae Variant Classification Sherloc (09022015). Collection method: clinical testing. Allele origin: germline.
Comment: This sequence change replaces alanine, which is neutral and non-polar, with threonine, which is neutral and polar, at codon 815 of the FLNC protein (p.Ala815Thr). This variant is not present in population databases (gnomAD no frequency). This variant has not been reported in the literature in individuals affected with FLNC-related conditions. ClinVar contains an entry for this variant (Variation ID: 3749693). Invitae Evidence Modeling of protein sequence and biophysical properties (such as structural, functional, and spatial information, amino acid conservation, physicochemical variation, residue mobility, and thermodynamic stability) has been performed for this missense variant. However, the output from this modeling did not meet the statistical confidence thresholds required to predict the impact of this variant on FLNC protein function. In summary, the available evidence is currently insufficient to determine the role of this variant in disease. Therefore, it has been classified as a Variant of Uncertain Significance.

NM_001458.5(FLNC):c.2443G>A (p.Ala815Thr)

Gene: FLNC (filamin C; plus strand). Cytogenetic location: 7q32.1.
Variant type: single nucleotide variant.
Coding change: c.2443G>A on transcript NM_001458.5 (MANE Select); coding-DNA position 2443, G replaced by A.
Protein change: p.Ala815Thr; replaces alanine 815 with threonine.
Molecular consequence: missense variant.
Genome position (GRCh38, 1-based): chr7:128,842,847, G>A. VCF-style: chr7-128842847-G-A. GRCh37 (hg19) VCF-style: chr7-128482901-G-A.
Other names: c.2443G>A, p.Ala815Thr (NM_001127487.2); short protein forms A815T.
Identifiers: ClinVar variation 3749693 (VCV003749693.3).
Genomic context (GRCh38, chr7:128,842,847, plus strand): 5'-TCTGCAGGCGACGTGAGCATCGGCATCAAGTGCGCCCCAGGCGTGGTGGGCCCTGCAGAG[G>A]CTGACATTGACTTCGACATCATCAAGAATGACAACGACACCTTCACCGTCAAGTACACGC-3'
Protein context (NP_001449.3, residues 805-825): CAPGVVGPAE[Ala815Thr]DIDFDIIKND